The following is an entry in ClinVar:

NM_014060.3(MCTS1):c.276G>T (p.Leu92=)

Gene: MCTS1 (MCTS1 re-initiation and release factor; plus strand). Cytogenetic location: Xq24.
Variant type: single nucleotide variant.
Coding change: c.276G>T on transcript NM_014060.3 (MANE Select); coding-DNA position 276, G replaced by T.
Protein change: p.Leu92=; no amino-acid change (leucine 92 retained).
Molecular consequence: synonymous variant.
Genome position (GRCh38, 1-based): chrX:120,608,238, G>T. VCF-style: chrX-120608238-G-T. GRCh37 (hg19) VCF-style: chrX-119742093-G-T.
Other names: NC_000023.10:g.119742093G>T; c.279G>T, p.Leu93= (NM_001137554.2).
Identifiers: ClinVar variation 2661332 (VCV002661332.25), dbSNP rs2521294777, ClinGen allele CA518223987.

ClinVar aggregate classification (germline): Likely benign (1 of 4 stars; one submission).

Submissions (2):

CeGaT Center for Human Genetics Tuebingen
Classification: Likely benign. Last evaluated: 2022-12-01. Review status: criteria provided, single submitter. Criteria: CeGaT Center For Human Genetics Tuebingen Variant Classification Criteria Version 2. Collection method: clinical testing. Allele origin: germline. Affected: yes. Observed: 1 variant allele.
Comment: MCTS1: PM2:Supporting, BP4, BP7

Dr. Peter K. Rogan Lab, Western University
No classification provided (evidence only). Condition: Thyroid cancer, nonmedullary, 1. Review status: no classification provided. Collection method: in vitro. Allele origin: not applicable. Functional consequence: retained intron. Not counted in ClinVar's aggregate classification.